The following is an entry in ClinVar:

ClinVar aggregate classification (germline): Conflicting classifications of pathogenicity. Review status: criteria provided, conflicting classifications (1 of 4 stars). 5 submissions from 5 submitters: Uncertain significance (4); Likely benign (1). Last evaluated 2026-01-15.

Conditions:
Hereditary breast ovarian cancer syndrome. Also called: Hereditary breast and ovarian cancer syndrome (HBOC); Hereditary breast and ovarian cancer syndrome; Breast and ovarian cancer; BRCA1- and BRCA2-Associated Hereditary Breast and Ovarian Cancer; Hereditary breast and ovarian cancer; Hereditary breast and/or ovarian cancer syndrome. Identifiers: Orphanet 145, MedGen C0677776, MeSH D061325, MONDO:0003582. Disease mechanism: loss of function.
Hereditary cancer-predisposing syndrome. Also called: Neoplastic Syndromes, Hereditary; Hereditary Cancer Syndrome; Hereditary neoplastic syndrome; Tumor predisposition. Identifiers: Orphanet 140162, MedGen C0027672, MeSH D009386, MONDO:0015356.
Familial pancreatic carcinoma. Identifiers: Orphanet 1333, MedGen C2931038, MONDO:0015278, OMIM 260350.

Allele frequency attached by ClinVar (database versions not stated): gnomAD exomes below 0.00001; ExAC 0.00001.

Submissions (5):

Labcorp Genetics (formerly Invitae), Labcorp
Classification: Uncertain significance for Hereditary breast ovarian cancer syndrome. Last evaluated: 2026-01-15. Review status: criteria provided, single submitter. Criteria: Invitae Variant Classification Sherloc (09022015). Collection method: clinical testing. Allele origin: germline.
Comment: This sequence change replaces aspartic acid, which is acidic and polar, with valine, which is neutral and non-polar, at codon 1314 of the BRCA1 protein (p.Asp1314Val). This variant is present in population databases (rs759916956, gnomAD 0.0009%). This missense change has been observed in individual(s) with stomach adenocarcinoma (PMID: 26689913). ClinVar contains an entry for this variant (Variation ID: 479232). Invitae Evidence Modeling of protein sequence and biophysical properties (such as structural, functional, and spatial information, amino acid conservation, physicochemical variation, residue mobility, and thermodynamic stability) indicates that this missense variant is expected to disrupt BRCA1 protein function with a positive predictive value of 80%. In summary, the available evidence is currently insufficient to determine the role of this variant in disease. Therefore, it has been classified as a Variant of Uncertain Significance.

Ambry Genetics
Classification: Uncertain significance for Hereditary cancer-predisposing syndrome. Last evaluated: 2025-05-11. Review status: criteria provided, single submitter. Criteria: Ambry Variant Classification Scheme 2023. Collection method: clinical testing. Allele origin: germline.
Comment: The p.D1314V variant (also known as c.3941A>T), located in coding exon 9 of the BRCA1 gene, results from an A to T substitution at nucleotide position 3941. The aspartic acid at codon 1314 is replaced by valine, an amino acid with highly dissimilar properties. This amino acid position is not well conserved in available vertebrate species. In addition, the in silico prediction for this alteration is inconclusive. Since supporting evidence is limited at this time, the clinical significance of this alteration remains unclear.

Department of Pathology and Laboratory Medicine, Sinai Health System
Classification: Uncertain significance for Hereditary breast ovarian cancer syndrome; Familial pancreatic carcinoma. Last evaluated: 2024-03-08. Review status: criteria provided, single submitter. Criteria: ACMG Guidelines, 2015. Collection method: clinical testing. Allele origin: germline. Affected: yes.

University of Washington Department of Laboratory Medicine, University of Washington
Classification: Likely benign for Hereditary cancer-predisposing syndrome. Last evaluated: 2023-03-23. Review status: criteria provided, single submitter. Criteria: Dines et al. (Genet Med. 2020). Collection method: curation. Allele origin: germline.
Comment: Missense variant in a coldspot region where missense variants are very unlikely to be pathogenic (PMID:31911673).

BRCA1 coldspot (exon 11 using historical exon numbering). Reclassification based on statistical prior probability

Color Diagnostics, LLC DBA Color Health
Classification: Uncertain significance for Hereditary cancer-predisposing syndrome. Last evaluated: 2020-07-27. Review status: criteria provided, single submitter. Criteria: ACMG Guidelines, 2015. Collection method: clinical testing. Allele origin: germline.
Comment: This missense variant replaces aspartic acid with valine at codon 1314 of the BRCA1 protein. Computational prediction is inconclusive regarding the impact of this variant on protein structure and function (internally defined REVEL score threshold 0.5 < inconclusive < 0.7, PMID: 27666373). To our knowledge, functional studies have not been reported for this variant. This variant has been reported in individuals affected with breast and stomach cancer (doi: 10.18597/rcog.294, PMID: 26689913). This variant has been identified in 1/251232 chromosomes in the general population by the Genome Aggregation Database (gnomAD). The available evidence is insufficient to determine the role of this variant in disease conclusively. Therefore, this variant is classified as a Variant of Uncertain Significance.

Literature cited by the submitters: PubMed 26689913 (cited by Labcorp Genetics (formerly Invitae), Labcorp and Department of Pathology and Laboratory Medicine, Sinai Health System).

NM_007294.4(BRCA1):c.3941A>T (p.Asp1314Val)

Genes: BRCA1 (BRCA1 DNA repair associated; minus strand), LOC126862571 (BRD4-independent group 4 enhancer GRCh37_chr17:41243136-41244335; plus strand). Cytogenetic location: 17q21.31.
Variant type: single nucleotide variant.
Coding change: c.3941A>T on transcript NM_007294.4 (MANE Select); coding-DNA position 3941, A replaced by T.
Protein change: p.Asp1314Val; replaces aspartic acid 1314 with valine.
Molecular consequence: missense variant. On other transcripts: intron variant (135).
Genome position (GRCh38, 1-based): chr17:43,091,590, T>A on the plus strand (A>T on the coding strand, the complement: BRCA1 is on the minus strand). VCF-style: chr17-43091590-T-A. GRCh37 (hg19) VCF-style: chr17-41243607-T-A.
Other names: c.3860A>T, p.Asp1287Val (NM_001407661.1, NM_001407662.1, NM_001407659.1 and 1 more transcripts); c.671-558A>T (NM_001408420.1, NM_001408423.1, NM_001408419.1 and 2 more transcripts); c.788-558A>T (NM_001408404.1, NM_001407990.1, NM_001408472.1 and 17 more transcripts); c.3863A>T, p.Asp1288Val (NM_001407663.1, NM_001407653.1, NM_001407654.1 and 4 more transcripts); c.3818A>T, p.Asp1273Val (NM_001407664.1, NM_001407665.1, NM_001407863.1 and 19 more transcripts); c.578-558A>T (NM_001408492.1, NM_001408481.1, NM_001408480.1 and 9 more transcripts); c.3797A>T, p.Asp1266Val (NM_001407846.1, NM_001407847.1, NM_001407848.1 and 20 more transcripts); c.3800A>T, p.Asp1267Val (NM_001407850.1, NM_001407851.1, NM_001407852.1 and 29 more transcripts); and 41 more; short protein forms D1314V, D1267V, D1187V, D1247V, D1287V, D1288V, D1313V, D1186V.
Identifiers: ClinVar variation 479232 (VCV000479232.21), dbSNP rs759916956, ClinGen allele CA059098.